The following is an entry in ClinVar:

NM_001082971.2(DDC):c.260C>T (p.Pro87Leu)

Genes: DDC (dopa decarboxylase; minus strand), DDC-AS1 (DDC antisense RNA 1; plus strand). Cytogenetic location: 7p12.1.
Variant type: single nucleotide variant.
Coding change: c.260C>T on transcript NM_001082971.2 (MANE Select); coding-DNA position 260, C replaced by T.
Protein change: p.Pro87Leu; replaces proline 87 with leucine.
Molecular consequence: missense variant. On other transcripts: non-coding transcript variant (1), intron variant (2).
Genome position (GRCh38, 1-based): chr7:50,539,970, G>A on the plus strand (C>T on the coding strand, the complement: DDC is on the minus strand). VCF-style: chr7-50539970-G-A. GRCh37 (hg19) VCF-style: chr7-50607668-G-A.
Other names: c.260C>T, p.Pro87Leu (NM_000790.4, NM_001242887.2, NM_001242889.2 and 1 more transcripts); c.201+3915C>T (NM_001242888.2); c.202-1991C>T (NM_001242886.2); short protein forms P87L.
Identifiers: ClinVar variation 973441 (VCV000973441.11), dbSNP rs746244631, ClinGen allele CA4262432.

ClinVar aggregate classification (germline): Pathogenic/Likely pathogenic. Review status: criteria provided, multiple submitters, no conflicts (2 of 4 stars). 3 submissions from 3 submitters: Pathogenic (1); Likely pathogenic (1). 1 of the submissions does not count toward it. Last evaluated 2026-01-01.

Conditions:
Deficiency of aromatic-L-amino-acid decarboxylase. Also called: DDC DEFICIENCY; DOPA DECARBOXYLASE DEFICIENCY; Aromatic L-Amino Acid Decarboxylase Deficiency; AADC DEFICIENCY; Aromatic amino acid decarboxylase deficiency. Identifiers: Orphanet 35708, MedGen C1291564, MONDO:0012084, OMIM 608643.

Allele frequency attached by ClinVar (database versions not stated): ExAC 0.00003; TOPMed 0.00001; gnomAD exomes 0.00002.
gnomAD v4.1: 10 of 1,614,010 alleles (0.00062%); highest among the groups gnomAD compares: Admixed American, 0.0033%; no homozygotes.

Submissions (3):

Labcorp Genetics (formerly Invitae), Labcorp
Classification: Pathogenic for Deficiency of aromatic-L-amino-acid decarboxylase. Last evaluated: 2026-01-01. Review status: criteria provided, single submitter. Criteria: Invitae Variant Classification Sherloc (09022015). Collection method: clinical testing. Allele origin: germline.
Comment: This sequence change replaces proline, which is neutral and non-polar, with leucine, which is neutral and non-polar, at codon 87 of the DDC protein (p.Pro87Leu). This variant is present in population databases (rs746244631, gnomAD 0.009%). This missense change has been observed in individual(s) with aromatic L-amino acid decarboxylase deficiency (PMID: 25001633, 32369189). ClinVar contains an entry for this variant (Variation ID: 973441). Invitae Evidence Modeling of protein sequence and biophysical properties (such as structural, functional, and spatial information, amino acid conservation, physicochemical variation, residue mobility, and thermodynamic stability) indicates that this missense variant is expected to disrupt DDC protein function with a positive predictive value of 80%. For these reasons, this variant has been classified as Pathogenic.

First Genomix Gene Laboratory, Genetic Diagnostics Department
Classification: Likely pathogenic for Deficiency of aromatic-L-amino-acid decarboxylase. Last evaluated: 2025-07-16. Review status: criteria provided, single submitter. Criteria: ACMG Guidelines, 2015. Collection method: clinical testing. Allele origin: germline. Inheritance: Autosomal recessive inheritance. Affected: no. Observed: 1 variant allele.

Elsea Laboratory, Baylor College of Medicine
Classification: Likely pathogenic for Deficiency of aromatic-L-amino-acid decarboxylase. Last evaluated: 2020-04-01. Review status: no assertion criteria provided. Collection method: clinical testing. Allele origin: paternal. Affected: yes. Not counted in ClinVar's aggregate classification.

Literature cited by the submitters: PubMed 25001633 (cited by Labcorp Genetics (formerly Invitae), Labcorp); PubMed 32369189 (cited by Labcorp Genetics (formerly Invitae), Labcorp).